The following is an entry in ClinVar:

NM_001283009.2(RTEL1):c.-93C>T

Genes: RTEL1-TNFRSF6B (RTEL1-TNFRSF6B readthrough (NMD candidate); plus strand), RTEL1 (regulator of telomere elongation helicase 1; plus strand). Cytogenetic location: 20q13.33.
Variant type: single nucleotide variant.
Coding change: c.-93C>T on transcript NM_001283009.2 (MANE Select); 93 bases upstream of the start codon, C replaced by T.
Molecular consequence: 5 prime UTR variant. On other transcripts: non-coding transcript variant (1), intron variant (1).
Genome position (GRCh38, 1-based): chr20:63,659,310, C>T. VCF-style: chr20-63659310-C-T. GRCh37 (hg19) VCF-style: chr20-62290663-C-T.
Other names: c.-93C>T (NM_016434.4, NM_032957.5); c.-568+851C>T (NM_001283010.1).
Identifiers: ClinVar variation 1260129 (VCV001260129.8), dbSNP rs2297432, ClinGen allele CA14782090.

ClinVar aggregate classification (germline): Benign. Review status: criteria provided, multiple submitters, no conflicts (2 of 4 stars). 5 submissions from 5 submitters: Benign (3). 2 of the submissions do not count toward it. Last evaluated 2024-01-24.

Allele frequency attached by ClinVar (database versions not stated): TOPMed 0.55044; 1000 Genomes Project 0.43790; 1000 Genomes Project 30x 0.44503.
gnomAD v4.1: 452,770 of 835,946 alleles (54%); highest among the groups gnomAD compares: African/African-American, 59%; 128,547 homozygotes.

Submissions (5):

Unidad de Genómica Garrahan, Hospital de Pediatría Garrahan
Classification: Benign. Last evaluated: 2024-01-24. Review status: criteria provided, single submitter. Criteria: ACMG Guidelines, 2015. Collection method: clinical testing. Allele origin: germline. Affected: no. Observed: 65 variant alleles.
Comment: This variant is classified as Benign based on local population frequency. This variant was detected in 68% of patients studied by a panel of primary immunodeficiencies. Number of patients: 65. Only high quality variants are reported.

GeneDx
Classification: Benign. Last evaluated: 2018-11-27. Review status: criteria provided, single submitter. Criteria: GeneDx Variant Classification Process June 2021. Collection method: clinical testing. Allele origin: germline. Affected: yes.

Breakthrough Genomics
Classification: Benign. Review status: criteria provided, single submitter. Criteria: ACMG Guidelines, 2015. Collection method: not provided. Allele origin: germline. Inheritance: Autosomal recessive inheritance. Affected: yes.

Clinical Genetics DNA and cytogenetics Diagnostics Lab, Erasmus MC, Erasmus Medical Center
Classification: Benign. Review status: no assertion criteria provided. Collection method: clinical testing. Allele origin: germline. Affected: yes. Study: VKGL Data-share Consensus. Not counted in ClinVar's aggregate classification.

Joint Genome Diagnostic Labs from Nijmegen and Maastricht, Radboudumc and MUMC+
Classification: Benign. Review status: no assertion criteria provided. Collection method: clinical testing. Allele origin: germline. Affected: yes. Study: VKGL Data-share Consensus. Not counted in ClinVar's aggregate classification.